The following is an entry in ClinVar:

NM_001319074.4(RAX2):c.545C>A (p.Pro182Gln)

Gene: RAX2 (retina and anterior neural fold homeobox 2; minus strand). Cytogenetic location: 19p13.3.
Variant type: single nucleotide variant.
Coding change: c.545C>A on transcript NM_001319074.4 (MANE Select); coding-DNA position 545, C replaced by A.
Protein change: p.Pro182Gln; replaces proline 182 with glutamine.
Molecular consequence: missense variant.
Genome position (GRCh38, 1-based): chr19:3,770,631, G>T on the plus strand (C>A on the coding strand, the complement: RAX2 is on the minus strand). VCF-style: chr19-3770631-G-T. GRCh37 (hg19) VCF-style: chr19-3770629-G-T.
Other names: c.545C>A, p.Pro182Gln (NM_032753.4); short protein forms P182Q.
Identifiers: ClinVar variation 1356299 (VCV001356299.8), dbSNP rs1207025589, ClinGen allele CA403373925.

ClinVar aggregate classification (germline): Uncertain significance (1 of 4 stars; one submission).

Allele frequency attached by ClinVar (database versions not stated): TOPMed 0.00001.
gnomAD v4.1: 4 of 1,533,320 alleles (0.00026%); highest among the groups gnomAD compares: Non-Finnish European, 0.00035%; no homozygotes.

Submission:

Labcorp Genetics (formerly Invitae), Labcorp
Classification: Uncertain significance. Last evaluated: 2025-10-13. Review status: criteria provided, single submitter. Criteria: Invitae Variant Classification Sherloc (09022015). Collection method: clinical testing. Allele origin: germline.
Comment: This sequence change replaces proline, which is neutral and non-polar, with glutamine, which is neutral and polar, at codon 182 of the RAX2 protein (p.Pro182Gln). This variant is not present in population databases (gnomAD no frequency). This variant has not been reported in the literature in individuals affected with RAX2-related conditions. ClinVar contains an entry for this variant (Variation ID: 1356299). An algorithm developed to predict the effect of missense changes on protein structure and function outputs the following: PolyPhen-2: "Probably Damaging". The glutamine amino acid residue is found in multiple mammalian species, which suggests that this missense change does not adversely affect protein function. In summary, the available evidence is currently insufficient to determine the role of this variant in disease. Therefore, it has been classified as a Variant of Uncertain Significance.